The following is an entry in ClinVar:

ClinVar aggregate classification (germline): Uncertain significance (1 of 4 stars; one submission).

Conditions:
Primary ciliary dyskinesia. Also called: Ciliary dyskinesia. Identifiers: Orphanet 244, MedGen C0008780, MONDO:0016575, HP:0012265.

Allele frequency attached by ClinVar (database versions not stated): TOPMed 0.00001.
gnomAD v4.1: 1 of 1,534,034 alleles (0.000065%); highest among the groups gnomAD compares: Admixed American, 0.002%; no homozygotes.

Submission:

Labcorp Genetics (formerly Invitae), Labcorp
Classification: Uncertain significance for Primary ciliary dyskinesia. Last evaluated: 2019-02-20. Review status: criteria provided, single submitter. Criteria: Invitae Variant Classification Sherloc (09022015). Collection method: clinical testing. Allele origin: germline.
Comment: This sequence change replaces proline with arginine at codon 418 of the DNAAF2 protein (p.Pro418Arg). The proline residue is weakly conserved and there is a moderate physicochemical difference between proline and arginine. The frequency data for this variant in the population databases is considered unreliable, as metrics indicate insufficient coverage at this position in the ExAC database. This variant has not been reported in the literature in individuals with DNAAF2-related conditions. Algorithms developed to predict the effect of missense changes on protein structure and function (SIFT, PolyPhen-2, Align-GVGD) all suggest that this variant is likely to be tolerated, but these predictions have not been confirmed by published functional studies and their clinical significance is uncertain. In summary, the available evidence is currently insufficient to determine the role of this variant in disease. Therefore, it has been classified as a Variant of Uncertain Significance.

NM_018139.3(DNAAF2):c.1253C>G (p.Pro418Arg)

Genes: DNAAF2 (dynein axonemal assembly factor 2; minus strand), LOC130055542 (ATAC-STARR-seq lymphoblastoid silent region 5699; plus strand). Cytogenetic location: 14q21.3.
Variant type: single nucleotide variant.
Coding change: c.1253C>G on transcript NM_018139.3 (MANE Select); coding-DNA position 1253, C replaced by G.
Protein change: p.Pro418Arg; replaces proline 418 with arginine.
Molecular consequence: missense variant. On other transcripts: 5 prime UTR variant (1).
Genome position (GRCh38, 1-based): chr14:49,633,897, G>C on the plus strand (C>G on the coding strand, the complement: DNAAF2 is on the minus strand). VCF-style: chr14-49633897-G-C. GRCh37 (hg19) VCF-style: chr14-50100615-G-C.
Other names: c.1253C>G, p.Pro418Arg (NM_001083908.2); c.-619C>G (NM_001378453.1); short protein forms P418R.
Identifiers: ClinVar variation 840737 (VCV000840737.1), dbSNP rs886084919, ClinGen allele CA260668424.